The following is an entry in ClinVar:

NM_007194.4(CHEK2):c.1034A>C (p.His345Pro)

Gene: CHEK2 (checkpoint kinase 2; minus strand). Cytogenetic location: 22q12.1.
Variant type: single nucleotide variant.
Coding change: c.1034A>C on transcript NM_007194.4 (MANE Select); coding-DNA position 1034, A replaced by C.
Protein change: p.His345Pro; replaces histidine 345 with proline.
Molecular consequence: missense variant. On other transcripts: intron variant (3).
Genome position (GRCh38, 1-based): chr22:28,696,962, T>G on the plus strand (A>C on the coding strand, the complement: CHEK2 is on the minus strand). VCF-style: chr22-28696962-T-G. GRCh37 (hg19) VCF-style: chr22-29092950-T-G.
Other names: c.1163A>C, p.His388Pro (NM_001005735.3); c.371A>C, p.His124Pro (NM_001257387.3, NM_001437942.1); c.833A>C, p.His278Pro (NM_001349956.3); c.1127A>C, p.His376Pro (NM_001438293.1); c.1009-1089A>C (NM_145862.3); c.1102-1089A>C (NM_001438295.1); c.1138-1089A>C (NM_001438294.1); short protein forms H124P, H388P, H278P, H345P, H376P.
Identifiers: ClinVar variation 969971 (VCV000969971.9), dbSNP rs1555914342, ClinGen allele CA411097751.

ClinVar aggregate classification (germline): Uncertain significance. Review status: criteria provided, multiple submitters, no conflicts (2 of 4 stars). 2 submissions from 2 submitters: Uncertain significance (2). Last evaluated 2022-10-22.

Conditions:
Familial cancer of breast. Also called: hereditary breast carcinoma; Hereditary breast cancer; BREAST CANCER, FAMILIAL. Identifiers: Orphanet 227535, MedGen C0346153, MONDO:0016419, OMIM 114480. Disease mechanism: loss of function.
Hereditary cancer-predisposing syndrome. Also called: Neoplastic Syndromes, Hereditary; Hereditary Cancer Syndrome; Tumor predisposition; Hereditary neoplastic syndrome. Identifiers: Orphanet 140162, MedGen C0027672, MeSH D009386, MONDO:0015356.

Submissions (2):

Ambry Genetics
Classification: Uncertain significance for Hereditary cancer-predisposing syndrome. Last evaluated: 2022-10-22. Review status: criteria provided, single submitter. Criteria: Ambry Variant Classification Scheme 2023. Collection method: clinical testing. Allele origin: germline.
Comment: The p.H345P variant (also known as c.1034A>C), located in coding exon 9 of the CHEK2 gene, results from an A to C substitution at nucleotide position 1034. The histidine at codon 345 is replaced by proline, an amino acid with similar properties. This amino acid position is conserved. In addition, this alteration is predicted to be deleterious by in silico analysis. Since supporting evidence is limited at this time, the clinical significance of this alteration remains unclear.

Labcorp Genetics (formerly Invitae), Labcorp
Classification: Uncertain significance for Familial cancer of breast. Last evaluated: 2022-01-12. Review status: criteria provided, single submitter. Criteria: Invitae Variant Classification Sherloc (09022015). Collection method: clinical testing. Allele origin: germline.
Comment: This sequence change replaces histidine, which is basic and polar, with proline, which is neutral and non-polar, at codon 345 of the CHEK2 protein (p.His345Pro). In summary, the available evidence is currently insufficient to determine the role of this variant in disease. Therefore, it has been classified as a Variant of Uncertain Significance. Algorithms developed to predict the effect of missense changes on protein structure and function are either unavailable or do not agree on the potential impact of this missense change (SIFT: "Deleterious"; PolyPhen-2: "Probably Damaging"; Align-GVGD: "Class C0"). ClinVar contains an entry for this variant (Variation ID: 969971). This variant has not been reported in the literature in individuals affected with CHEK2-related conditions. This variant is not present in population databases (gnomAD no frequency).